The following is an entry in ClinVar:

ClinVar aggregate classification (germline): Likely pathogenic (1 of 4 stars; one submission).

Conditions:
Diamond-Blackfan anemia. Also called: Blackfan Diamond syndrome; Aregenerative anemia chronic congenital; Red cell aplasia, pure hereditary; Congenital hypoplastic anemia; Aase syndrome. Identifiers: Orphanet 124, MedGen C1260899, MeSH D029503, MONDO:0015253, HP:0004810.

Submission:

Ambry Genetics
Classification: Likely pathogenic for Diamond-Blackfan anemia. Last evaluated: 2025-07-15. Review status: criteria provided, single submitter. Criteria: Ambry Variant Classification Scheme 2023. Collection method: clinical testing. Allele origin: germline.
Comment: The c.396+1G>T intronic variant results from a G to T substitution one nucleotide after coding exon 4 of the RPL11 gene. Alterations that disrupt the canonical splice site are expected to result in aberrant splicing. In silico splice site analysis predicts that this alteration will weaken the native splice donor site. A resulting transcript is predicted to be in-frame and is not expected to trigger nonsense-mediated mRNAdecay; although, direct evidence is unavailable. However, the region predicted to be impacted is critical for protein function (Ambry internal data). This variant was reported in individual(s) with features consistent with Diamond-Blackfan anemia; in at least one individual, it was determined to be de novo (Gazda HT et al. Am J Hum Genet, 2008 Dec;83:769-80); Ambry internal data). This variant is considered to be rare based on population cohorts in the Genome Aggregation Database (gnomAD). This nucleotide position is highly conserved in available vertebrate species. Based on the majority of available evidence to date, this variant is likely to be pathogenic.

Literature cited by the submitters: PubMed 19061985; PubMed 33718801.

NM_000975.5(RPL11):c.396+1G>T

Gene: RPL11 (ribosomal protein L11; plus strand). Cytogenetic location: 1p36.11.
Variant type: single nucleotide variant.
Coding change: c.396+1G>T on transcript NM_000975.5 (MANE Select); the canonical splice donor site of the intron after coding-DNA position 396, G replaced by T.
Molecular consequence: splice donor variant.
Genome position (GRCh38, 1-based): chr1:23,694,792, G>T. VCF-style: chr1-23694792-G-T. GRCh37 (hg19) VCF-style: chr1-24021282-G-T.
Other names: c.393+1G>T (NM_001199802.1).
Identifiers: ClinVar variation 4156507 (VCV004156507.1).